The following is an entry in ClinVar:

ClinVar aggregate classification (germline): Uncertain significance (1 of 4 stars; one submission).

Conditions:
Nephrolithiasis/nephrocalcinosis. Identifiers: MedGen CN580796.

Submission:

Ambry Genetics
Classification: Uncertain significance for Nephrolithiasis/nephrocalcinosis. Last evaluated: 2025-04-14. Review status: criteria provided, single submitter. Criteria: Ambry Variant Classification Scheme 2023. Collection method: clinical testing. Allele origin: germline.
Comment: The c.1432A>G (p.K478E) alteration is located in exon 14 (coding exon 14) of the OCRL gene. This alteration results from an A to G substitution at nucleotide position 1432, causing the lysine (K) at amino acid position 478 to be replaced by a glutamic acid (E). This variant was not reported in population-based cohorts in the Genome Aggregation Database (gnomAD). This amino acid position is highly conserved in available vertebrate species. This alteration is predicted to be deleterious by in silico analysis. Based on insufficient or conflicting evidence, the clinical significance of this alteration remains unclear.

NM_000276.4(OCRL):c.1432A>G (p.Lys478Glu)

Gene: OCRL (OCRL inositol polyphosphate-5-phosphatase; plus strand). Cytogenetic location: Xq26.1.
Variant type: single nucleotide variant.
Coding change: c.1432A>G on transcript NM_000276.4 (MANE Select); coding-DNA position 1432, A replaced by G.
Protein change: p.Lys478Glu; replaces lysine 478 with glutamic acid.
Molecular consequence: missense variant.
Genome position (GRCh38, 1-based): chrX:129,567,329, A>G. VCF-style: chrX-129567329-A-G. GRCh37 (hg19) VCF-style: chrX-128701306-A-G.
Other names: c.1435A>G, p.Lys479Glu (NM_001318784.2); c.1432A>G, p.Lys478Glu (NM_001587.4); short protein forms K478E, K479E.
Identifiers: ClinVar variation 3882533 (VCV003882533.2).